The following is an entry in ClinVar:

NM_001034853.2(RPGR):c.823G>A (p.Gly275Ser)

Gene: RPGR (retinitis pigmentosa GTPase regulator; minus strand). Cytogenetic location: Xp11.4.
Variant type: single nucleotide variant.
Coding change: c.823G>A on transcript NM_001034853.2 (MANE Select); coding-DNA position 823, G replaced by A.
Protein change: p.Gly275Ser; replaces glycine 275 with serine.
Molecular consequence: missense variant. On other transcripts: non-coding transcript variant (5).
Genome position (GRCh38, 1-based): chrX:38,304,746, C>T on the plus strand (G>A on the coding strand, the complement: RPGR is on the minus strand). VCF-style: chrX-38304746-C-T. GRCh37 (hg19) VCF-style: chrX-38163999-C-T.
Other names: NM_001034853.2(RPGR):c.823G>A; c.823G>A, p.Gly275Ser (NM_000328.3, NM_001367246.1, NM_001367247.1 and 1 more transcripts); c.820G>A, p.Gly274Ser (NM_001367245.1, NM_001367249.1, NM_001367250.1); c.853G>A, p.Gly285Ser (NM_001367248.1); short protein forms G275S, G274S, G285S.
Identifiers: ClinVar variation 9899 (VCV000009899.7), dbSNP rs62642057, ClinGen allele CA226447.

ClinVar aggregate classification (germline): Pathogenic. Review status: reviewed by expert panel (3 of 4 stars). 5 submissions from 5 submitters: Pathogenic (1). 4 of the submissions do not count toward it. Last evaluated 2025-05-20.

Conditions:
RPGR-related retinopathy. Also called: RPGR retinopathy. Identifiers: MedGen CN305589, MONDO:0100437.
Primary ciliary dyskinesia. Also called: Ciliary dyskinesia. Identifiers: Orphanet 244, MedGen C0008780, MONDO:0016575, HP:0012265.
Retinitis pigmentosa (RP). Identifiers: Orphanet 791, MedGen C0035334, MeSH D012174, MONDO:0019200, OMIM 268000. Inheritance: Autosomal dominant, autosomal recessive and X linked inheritance.
Retinitis pigmentosa 3. Also called: CHOROIDORETINAL DEGENERATION WITH RETINAL REFLEX IN HETEROZYGOUS WOMEN. Identifiers: Orphanet 791, MedGen C1845667, MONDO:0010227, OMIM 300029.

Submissions (5):

ClinGen X-linked Inherited Retinal Disease Variant Curation Expert Panel, ClinGen
Classification: Pathogenic for RPGR-related retinopathy. Last evaluated: 2025-05-20. Review status: reviewed by expert panel. Criteria: ClinGen X LinkedIRD ACMG Specifications RPGR V1.0.0. Collection method: curation. Allele origin: germline. Inheritance: X-linked inheritance.
Comment: NM_001034853.2(RPGR):c.823G>A (p.Gly275Ser) is a missense variant predicted to cause substitution of glycine by serine at amino acid 275. This variant is absent from hemizygous individuals in gnomAD v4.1.0 (PM2_Supporting). This variant has been reported in at least 4 families, with 1 proband exhibiting a family history consistent with X-linked inheritance, functional vision impairment by age 30 years, decreased cone and rod electroretinogram responses, optic disc pallor, attenuation of vessels, pigmentary retinopathy, abnormal autofluorescence, reduced visual acuity, and abnormal color vision, which together are specific for RPGR-related retinopathy (4 points, PMID: 17480003, PP4). This finding has been combined with reports of the variant in at least 2 additional apparently unrelated probands meeting the requirement of some functional vision impairment in affected males by age 30, with decreased or absent cone and/or rod electroretinogram responses (PMID: 17480003, PMID: 16969763, PS4_Supporting). The variant has been reported to segregate with the phenotype through 12 affected meioses in 2 families, meeting the ClinGen X-linked IRD VCEP PP1_Strong requirement of ≥4 meioses in >1 family (PP1_Strong; PMID: 17480003). At least 4 other missense variants at the same codon (p.Gly275Arg, p.Gly275Cys, p.Gly275Val, and p.Gly275Asp) have been reported in association with retinal disease, however, all of them have a higher Grantham score than this variant, so PM5 is not met. The computational predictor REVEL gives a score of 0.968, which is above the ClinGen X-linked IRD VCEP threshold of >0.932 and predicts a damaging effect on RPGR function (PP3_strong). Fluorescence microscopy-based localization assay performed with the p.Gly275Ser mutant and wild-type RPGR exogenously expressed as GFP-fusion proteins by RPE1 cells showed complete loss of localization to the primary cilia (PMID: 30622176). Tag-based RPGR pull-down from HEK293T cells using anti-Flag beads followed by western blotting-based detection of endogenous PDE6D, RPGRIP1L, or INPP5 showed that the mutant had complete loss of interaction with INPP5E and RPGRIP1L, further indicating a damaging effect on protein function (PMID: 30622176; PS3_Supporting). In summary, this variant meets the criteria to be classified as pathogenic for RPGR-related retinopathy based on the ClinGen X-linked Inherited Retinal Disease Expert Panel Specifications to the ACMG/AMP Variant Interpretation Guidelines for RPGR Version 1.0.0; PS3_Supporting, PS4_Supporting, PM2_Supporting, PP1_Strong, PP3_Strong, and PP4. (date of approval 05/16/2025).

Labcorp Genetics (formerly Invitae), Labcorp
Classification: Pathogenic for Primary ciliary dyskinesia. Last evaluated: 2021-11-30. Review status: criteria provided, single submitter. Criteria: Invitae Variant Classification Sherloc (09022015). Collection method: clinical testing. Allele origin: germline. Not counted in ClinVar's aggregate classification.
Comment: ClinVar contains an entry for this variant (Variation ID: 9899). For these reasons, this variant has been classified as Pathogenic. Experimental studies have shown that this missense change affects RPGR function (PMID: 23213406, 30622176). Algorithms developed to predict the effect of missense changes on protein structure and function (SIFT, PolyPhen-2, Align-GVGD) all suggest that this variant is likely to be disruptive. This variant is also known as G to A exchange at position 854 or c.854G>A. This gene is also known as RP3. This missense change has been observed in individuals with retinitis pigmentosa (PMID: 8817343, 16969763, 17724181, 31456290). This variant is not present in population databases (gnomAD no frequency). This sequence change replaces glycine, which is neutral and non-polar, with serine, which is neutral and polar, at codon 275 of the RPGR protein (p.Gly275Ser).

Sharon lab, Hadassah-Hebrew University Medical Center
Classification: Likely pathogenic for Retinitis pigmentosa. Last evaluated: 2019-06-23. Review status: no assertion criteria provided. Collection method: research. Allele origin: inherited. Affected: yes. Not counted in ClinVar's aggregate classification.

OMIM
Classification: Pathogenic for RETINITIS PIGMENTOSA 3. Last evaluated: 2007-06-01. Review status: no assertion criteria provided. Collection method: literature only. Allele origin: germline. Not counted in ClinVar's aggregate classification.

Retina International
No classification provided. Review status: no classification provided. Collection method: not provided. Allele origin: not provided. Not counted in ClinVar's aggregate classification.

Literature cited by the submitters: PubMed 23213406 (cited by Labcorp Genetics (formerly Invitae), Labcorp); PubMed 30622176 (cited by Labcorp Genetics (formerly Invitae), Labcorp); PubMed 8817343 (cited by Labcorp Genetics (formerly Invitae), Labcorp and OMIM); PubMed 16969763 (cited by Labcorp Genetics (formerly Invitae), Labcorp); PubMed 17724181 (cited by Labcorp Genetics (formerly Invitae), Labcorp); PubMed 31456290 (cited by Labcorp Genetics (formerly Invitae), Labcorp); PubMed 17480003 (cited by OMIM).